The following is an entry in ClinVar:

ClinVar aggregate classification (germline): Uncertain significance (1 of 4 stars; one submission).

Conditions:
Hyperkalemic periodic paralysis. Also called: Familial hyperkalemic periodic paralysis; Gamstorp disease. Identifiers: Orphanet 682, MedGen C0238357, MONDO:0008224, OMIM 170500, HP:0007215.

gnomAD v4.1: 2 of 1,613,990 alleles (0.00012%); no homozygotes.

Submission:

Labcorp Genetics (formerly Invitae), Labcorp
Classification: Uncertain significance for Hyperkalemic periodic paralysis. Last evaluated: 2024-04-17. Review status: criteria provided, single submitter. Criteria: Invitae Variant Classification Sherloc (09022015). Collection method: clinical testing. Allele origin: germline.
Comment: This sequence change replaces serine, which is neutral and polar, with arginine, which is basic and polar, at codon 115 of the SCN4A protein (p.Ser115Arg). This variant is not present in population databases (gnomAD no frequency). This variant has not been reported in the literature in individuals affected with SCN4A-related conditions. Advanced modeling of protein sequence and biophysical properties (such as structural, functional, and spatial information, amino acid conservation, physicochemical variation, residue mobility, and thermodynamic stability) has been performed at Invitae for this missense variant, however the output from this modeling did not meet the statistical confidence thresholds required to predict the impact of this variant on SCN4A protein function. In summary, the available evidence is currently insufficient to determine the role of this variant in disease. Therefore, it has been classified as a Variant of Uncertain Significance.

NM_000334.4(SCN4A):c.345C>A (p.Ser115Arg)

Gene: SCN4A (sodium voltage-gated channel alpha subunit 4; minus strand). Cytogenetic location: 17q23.3.
Variant type: single nucleotide variant.
Coding change: c.345C>A on transcript NM_000334.4 (MANE Select); coding-DNA position 345, C replaced by A.
Protein change: p.Ser115Arg; replaces serine 115 with arginine.
Molecular consequence: missense variant.
Genome position (GRCh38, 1-based): chr17:63,972,399, G>T on the plus strand (C>A on the coding strand, the complement: SCN4A is on the minus strand). VCF-style: chr17-63972399-G-T. GRCh37 (hg19) VCF-style: chr17-62049759-G-T.
Other names: short protein forms S115R.
Identifiers: ClinVar variation 3610233 (VCV003610233.2).
Genomic context (GRCh38, chr17:63,972,399, plus strand): 5'-TTGGGCAGGATATGCATGGATGAGCACCTTGATGGCCCCGCGCCTGACTACGCTGAAGGG[G>T]CTCAGCAGGTAGAGAGCAGGTGTGGCGGAGAAGCGGAAGATGGCCTTGCCCTTGTTGAGT-3'
Protein context (NP_000325.4, residues 105-125): FSATPALYLL[Ser115Arg]PFSVVRRGAI